The following is an entry in ClinVar:

NM_020708.5(SLC12A5):c.1423G>A (p.Val475Met)

Gene: SLC12A5 (solute carrier family 12 member 5; plus strand). Cytogenetic location: 20q13.12.
Variant type: single nucleotide variant.
Coding change: c.1423G>A on transcript NM_020708.5 (MANE Select); coding-DNA position 1423, G replaced by A.
Protein change: p.Val475Met; replaces valine 475 with methionine.
Molecular consequence: missense variant.
Genome position (GRCh38, 1-based): chr20:46,044,994, G>A. VCF-style: chr20-46044994-G-A. GRCh37 (hg19) VCF-style: chr20-44673633-G-A.
Other names: c.1492G>A, p.Val498Met (NM_001134771.2); short protein forms V475M, V498M.
Identifiers: ClinVar variation 1345552 (VCV001345552.10), dbSNP rs1304092442, ClinGen allele CA409194678.

ClinVar aggregate classification (germline): Uncertain significance. Review status: criteria provided, multiple submitters, no conflicts (2 of 4 stars). 3 submissions from 3 submitters: Uncertain significance (3). Last evaluated 2024-12-12.

Conditions:
Developmental and epileptic encephalopathy, 34 (DEE34). Also called: Early infantile epileptic encephalopathy 34; SLC12A5-Related Epilepsy of Infancy with Migrating Focal Seizures. Identifiers: Orphanet 293181, MedGen C4225257, MONDO:0014718, OMIM 616645.

Submissions (3):

Greenwood Genetic Center Diagnostic Laboratories, Greenwood Genetic Center
Classification: Uncertain significance. Last evaluated: 2024-12-12. Review status: criteria provided, single submitter. Criteria: ACMG Guidelines, 2015. Collection method: clinical testing. Allele origin: germline. Affected: yes.
Comment: PM2, PP2, PP3

Blueprint Genetics
Classification: Uncertain significance. Last evaluated: 2023-11-15. Review status: criteria provided, single submitter. Criteria: ACMG Guidelines, 2015. Collection method: clinical testing. Allele origin: germline.

Labcorp Genetics (formerly Invitae), Labcorp
Classification: Uncertain significance for Developmental and epileptic encephalopathy, 34. Last evaluated: 2022-06-20. Review status: criteria provided, single submitter. Criteria: Invitae Variant Classification Sherloc (09022015). Collection method: clinical testing. Allele origin: germline.
Comment: In summary, the available evidence is currently insufficient to determine the role of this variant in disease. Therefore, it has been classified as a Variant of Uncertain Significance. Advanced modeling of protein sequence and biophysical properties (such as structural, functional, and spatial information, amino acid conservation, physicochemical variation, residue mobility, and thermodynamic stability) performed at Invitae indicates that this missense variant is expected to disrupt SLC12A5 protein function. This variant has not been reported in the literature in individuals affected with SLC12A5-related conditions. This variant is present in population databases (no rsID available, gnomAD 0.0009%). This sequence change replaces valine, which is neutral and non-polar, with methionine, which is neutral and non-polar, at codon 475 of the SLC12A5 protein (p.Val475Met).